The following is an entry in ClinVar:

ClinVar aggregate classification (germline): Conflicting classifications of pathogenicity. Review status: criteria provided, conflicting classifications (1 of 4 stars). 2 submissions from 2 submitters: Uncertain significance (1); Likely benign (1). Last evaluated 2025-02-07.

Allele frequency attached by ClinVar (database versions not stated): gnomAD 0.00004; TOPMed 0.00006; ESP Exome Variant Server 0.00008; gnomAD exomes 0.00009 and 0.00011; ExAC 0.00017.
gnomAD v4.1: 145 of 1,613,678 alleles (0.009%); highest among the groups gnomAD compares: Middle Eastern, 0.052%; 1 homozygote.

Submissions (2):

GeneDx
Classification: Uncertain significance. Last evaluated: 2025-02-07. Review status: criteria provided, single submitter. Criteria: GeneDx Variant Classification Process June 2021. Collection method: clinical testing. Allele origin: germline. Affected: yes.
Comment: In silico analysis indicates that this variant does not alter splicing; Has not been previously published as pathogenic or benign to our knowledge

Labcorp Genetics (formerly Invitae), Labcorp
Classification: Likely benign. Last evaluated: 2023-10-14. Review status: criteria provided, single submitter. Criteria: Invitae Variant Classification Sherloc (09022015). Collection method: clinical testing. Allele origin: germline.

NM_001206641.3(COA6):c.212+76C>A

Gene: COA6 (cytochrome c oxidase assembly factor 6; plus strand). Cytogenetic location: 1q42.2.
Variant type: single nucleotide variant.
Coding change: c.212+76C>A on transcript NM_001206641.3 (MANE Select); 76 bases into the intron after coding-DNA position 212, C replaced by A.
Molecular consequence: intron variant. On other transcripts: synonymous variant (1), 5 prime UTR variant (1).
Genome position (GRCh38, 1-based): chr1:234,373,754, C>A. VCF-style: chr1-234373754-C-A. GRCh37 (hg19) VCF-style: chr1-234509500-C-A.
Other names: c.36C>A, p.Arg12= (NM_001012985.2); c.-492C>A (NM_001301733.1).
Identifiers: ClinVar variation 387769 (VCV000387769.6), dbSNP rs373436327, ClinGen allele CA1459996.